The following is an entry in ClinVar:

ClinVar aggregate classification (germline): Uncertain significance (1 of 4 stars; one submission).

Allele frequency attached by ClinVar (database versions not stated): gnomAD exomes below 0.00001; gnomAD 0.00001; TOPMed 0.00001.
gnomAD v4.1: 6 of 1,614,050 alleles (0.00037%); highest among the groups gnomAD compares: Non-Finnish European, 0.00051%; no homozygotes.

Submission:

Labcorp Genetics (formerly Invitae), Labcorp
Classification: Uncertain significance. Last evaluated: 2023-06-11. Review status: criteria provided, single submitter. Criteria: Invitae Variant Classification Sherloc (09022015). Collection method: clinical testing. Allele origin: germline.
Comment: ClinVar contains an entry for this variant (Variation ID: 1913580). In summary, the available evidence is currently insufficient to determine the role of this variant in disease. Therefore, it has been classified as a Variant of Uncertain Significance. Advanced modeling of protein sequence and biophysical properties (such as structural, functional, and spatial information, amino acid conservation, physicochemical variation, residue mobility, and thermodynamic stability) performed at Invitae indicates that this missense variant is not expected to disrupt DEAF1 protein function. This variant has not been reported in the literature in individuals affected with DEAF1-related conditions. This variant is not present in population databases (gnomAD no frequency). This sequence change replaces threonine, which is neutral and polar, with isoleucine, which is neutral and non-polar, at codon 311 of the DEAF1 protein (p.Thr311Ile).

NM_021008.4(DEAF1):c.932C>T (p.Thr311Ile)

Gene: DEAF1 (DEAF1 transcription factor; minus strand). Cytogenetic location: 11p15.5.
Variant type: single nucleotide variant.
Coding change: c.932C>T on transcript NM_021008.4 (MANE Select); coding-DNA position 932, C replaced by T.
Protein change: p.Thr311Ile; replaces threonine 311 with isoleucine.
Molecular consequence: missense variant. On other transcripts: intron variant (1).
Genome position (GRCh38, 1-based): chr11:681,028, G>A on the plus strand (C>T on the coding strand, the complement: DEAF1 is on the minus strand). VCF-style: chr11-681028-G-A. GRCh37 (hg19) VCF-style: chr11-681028-G-A.
Other names: c.206C>T, p.Thr69Ile (NM_001367390.1, NM_001440885.1, NM_001440886.1 and 1 more transcripts); c.932C>T, p.Thr311Ile (NM_001440883.1, NM_001440884.1); c.731-1212C>T (NM_001293634.2); short protein forms T311I, T69I.
Identifiers: ClinVar variation 1913580 (VCV001913580.5), dbSNP rs1454182690, ClinGen allele CA378928276.